The following is an entry in ClinVar:

NM_020433.5(JPH2):c.1714C>A (p.Arg572Ser)

Gene: JPH2 (junctophilin 2; minus strand). Cytogenetic location: 20q13.12.
Variant type: single nucleotide variant.
Coding change: c.1714C>A on transcript NM_020433.5 (MANE Select); coding-DNA position 1714, C replaced by A.
Protein change: p.Arg572Ser; replaces arginine 572 with serine.
Molecular consequence: missense variant.
Genome position (GRCh38, 1-based): chr20:44,115,961, G>T on the plus strand (C>A on the coding strand, the complement: JPH2 is on the minus strand). VCF-style: chr20-44115961-G-T. GRCh37 (hg19) VCF-style: chr20-42744601-G-T.
Other names: short protein forms R572S.
Identifiers: ClinVar variation 4798132 (VCV004798132.1).

ClinVar aggregate classification (germline): Uncertain significance (1 of 4 stars; one submission).

Conditions:
Hypertrophic cardiomyopathy. Also called: HYPERTROPHIC MYOCARDIOPATHY. Identifiers: Orphanet 217569, MedGen C0007194, MeSH D002312, MONDO:0005045, HP:0001639.

gnomAD v4.1: 2 of 1,572,222 alleles (0.00013%); highest among the groups gnomAD compares: East Asian, 0.0046%; no homozygotes.

Submission:

Labcorp Genetics (formerly Invitae), Labcorp
Classification: Uncertain significance for Hypertrophic cardiomyopathy. Last evaluated: 2025-05-18. Review status: criteria provided, single submitter. Criteria: Invitae Variant Classification Sherloc (09022015). Collection method: clinical testing. Allele origin: germline.
Comment: This sequence change replaces arginine, which is basic and polar, with serine, which is neutral and polar, at codon 572 of the JPH2 protein (p.Arg572Ser). The frequency data for this variant in the population databases is considered unreliable, as metrics indicate poor data quality at this position in the gnomAD database. This variant has not been reported in the literature in individuals affected with JPH2-related conditions. An algorithm developed to predict the effect of missense changes on protein structure and function (PolyPhen-2) suggests that this variant is likely to be disruptive. In summary, the available evidence is currently insufficient to determine the role of this variant in disease. Therefore, it has been classified as a Variant of Uncertain Significance.